The following is an entry in ClinVar:

NM_000388.4(CASR):c.2786G>A (p.Arg929Lys)

Gene: CASR (calcium sensing receptor; plus strand). Cytogenetic location: 3q21.1.
Variant type: single nucleotide variant.
Coding change: c.2786G>A on transcript NM_000388.4 (MANE Select); coding-DNA position 2786, G replaced by A.
Protein change: p.Arg929Lys; replaces arginine 929 with lysine.
Molecular consequence: missense variant.
Genome position (GRCh38, 1-based): chr3:122,284,740, G>A. VCF-style: chr3-122284740-G-A. GRCh37 (hg19) VCF-style: chr3-122003587-G-A.
Other names: c.2816G>A, p.Arg939Lys (NM_001178065.2); short protein forms R929K, R939K.
Identifiers: ClinVar variation 1795985 (VCV001795985.2), dbSNP rs1339777095, ClinGen allele CA354160763.

ClinVar aggregate classification (germline): Uncertain significance (1 of 4 stars; one submission).

Conditions:
Nephrolithiasis/nephrocalcinosis. Identifiers: MedGen CN580796.

Allele frequency attached by ClinVar (database versions not stated): TOPMed 0.00001; gnomAD 0.00003.
gnomAD v4.1: 5 of 1,614,074 alleles (0.00031%); highest among the groups gnomAD compares: African/African-American, 0.0053%; no homozygotes.

Submission:

Ambry Genetics
Classification: Uncertain significance for Nephrolithiasis/nephrocalcinosis. Last evaluated: 2022-07-01. Review status: criteria provided, single submitter. Criteria: Ambry Variant Classification Scheme 2023. Collection method: clinical testing. Allele origin: germline.
Comment: The p.R929K variant (also known as c.2786G>A), located in coding exon 6 of the CASR gene, results from a G to A substitution at nucleotide position 2786. The arginine at codon 929 is replaced by lysine, an amino acid with highly similar properties. This amino acid position is conserved. In addition, this alteration is predicted to be tolerated by in silico analysis. Since supporting evidence is limited at this time, the clinical significance of this alteration remains unclear.